The following is an entry in ClinVar:

NM_000219.6(KCNE1):c.316T>C (p.Cys106Arg)

Gene: KCNE1 (potassium voltage-gated channel subfamily E regulatory subunit 1; minus strand). Cytogenetic location: 21q22.12.
Variant type: single nucleotide variant.
Coding change: c.316T>C on transcript NM_000219.6 (MANE Select); coding-DNA position 316, T replaced by C.
Protein change: p.Cys106Arg; replaces cysteine 106 with arginine.
Molecular consequence: missense variant.
Genome position (GRCh38, 1-based): chr21:34,449,319, A>G on the plus strand (T>C on the coding strand, the complement: KCNE1 is on the minus strand). VCF-style: chr21-34449319-A-G. GRCh37 (hg19) VCF-style: chr21-35821617-A-G.
Other names: c.316T>C, p.Cys106Arg (NM_001127668.4, NM_001127669.4, NM_001127670.4 and 4 more transcripts); short protein forms C106R.
Identifiers: ClinVar variation 3374617 (VCV003374617.2).
Genomic context (GRCh38, chr21:34,449,319, plus strand): 5'-TCGTCTCAGGAAGGTGTGTGTTGGGTTGTTCTATGGCCAGATGGTTTTCAACGACATAGC[A>G]CGACCTGTAGCTCTCCAGGACCCGGGCCTGGACATAGGCCTTGTCCTTCTCTTGCCAGGC-3'
Protein context (NP_000210.2, residues 96-116): QARVLESYRS[Cys106Arg]YVVENHLAIE

Conditions:
Long QT syndrome 5 (LQT5). Identifiers: Orphanet 101016, Orphanet 768, MedGen C1867904, MONDO:0013372, OMIM 613695.

Submission:

Roden Lab, Vanderbilt University Medical Center
No classification provided (evidence only). Condition: Long QT syndrome 5. Review status: no classification provided. Collection method: in vitro. Allele origin: not applicable. Functional consequence: Effect on ion channel function.
ClinVar note: "not provided" was previously submitted as the classification for the variant. However, the classification appeared to be based only on an observation of functional data so it was converted to no classification on 2025-07-30.